The following is an entry in ClinVar:

NM_006231.4(POLE):c.1268A>G (p.Asn423Ser)

Gene: POLE (DNA polymerase epsilon, catalytic subunit; minus strand). Cytogenetic location: 12q24.33.
Variant type: single nucleotide variant.
Coding change: c.1268A>G on transcript NM_006231.4 (MANE Select); coding-DNA position 1268, A replaced by G.
Protein change: p.Asn423Ser; replaces asparagine 423 with serine.
Molecular consequence: missense variant.
Genome position (GRCh38, 1-based): chr12:132,673,666, T>C on the plus strand (A>G on the coding strand, the complement: POLE is on the minus strand). VCF-style: chr12-132673666-T-C. GRCh37 (hg19) VCF-style: chr12-133250252-T-C.
Other names: short protein forms N423S.
Identifiers: ClinVar variation 2677940 (VCV002677940.4), dbSNP rs2136000282, ClinGen allele CA387359548.
Genomic context (GRCh38, chr12:132,673,666, plus strand): 5'-TCCTCCGGGTCTAGCTCCACGGGATCATAGCCTAGCTTGGCCTTGGCGGCCGCCTTGAGA[T>C]TATGACTGCCCACAGGAAGGTAACTGTCCCTCTTCACCCACCTGGAAGGAGAATGAGAAC-3'
Protein context (NP_006222.2, residues 413-433): RDSYLPVGSH[Asn423Ser]LKAAAKAKLG

ClinVar aggregate classification (germline): Uncertain significance. Review status: criteria provided, multiple submitters, no conflicts (2 of 4 stars). 2 submissions from 2 submitters: Uncertain significance (2). Last evaluated 2023-07-24.

Conditions:
Colorectal cancer, susceptibility to, 12 (CRCS12). Also called: COLORECTAL CANCER, SUSCEPTIBILITY TO, ON CHROMOSOME 12q24. Identifiers: Orphanet 220460, MedGen C3554460, MONDO:0014038, OMIM 615083.

Submissions (2):

Labcorp Genetics (formerly Invitae), Labcorp
Classification: Uncertain significance. Last evaluated: 2023-07-24. Review status: criteria provided, single submitter. Criteria: Invitae Variant Classification Sherloc (09022015). Collection method: clinical testing. Allele origin: germline.
Comment: In summary, the available evidence is currently insufficient to determine the role of this variant in disease. Therefore, it has been classified as a Variant of Uncertain Significance. Advanced modeling of protein sequence and biophysical properties (such as structural, functional, and spatial information, amino acid conservation, physicochemical variation, residue mobility, and thermodynamic stability) performed at Invitae indicates that this missense variant is not expected to disrupt POLE protein function. This sequence change replaces asparagine, which is neutral and polar, with serine, which is neutral and polar, at codon 423 of the POLE protein (p.Asn423Ser). This variant is not present in population databases (gnomAD no frequency). This variant has not been reported in the literature in individuals affected with POLE-related conditions.

Baylor Genetics
Classification: Uncertain significance for Colorectal cancer, susceptibility to, 12. Last evaluated: 2023-05-18. Review status: criteria provided, single submitter. Criteria: ACMG Guidelines, 2015. Collection method: clinical testing. Allele origin: unknown.